The following is an entry in ClinVar:

ClinVar aggregate classification (germline): Uncertain significance (1 of 4 stars; one submission).

Submission:

CeGaT Center for Human Genetics Tuebingen
Classification: Uncertain significance. Last evaluated: 2023-09-01. Review status: criteria provided, single submitter. Criteria: CeGaT Center For Human Genetics Tuebingen Variant Classification Criteria Version 2. Collection method: clinical testing. Allele origin: germline. Affected: yes. Observed: 1 variant allele.
Comment: KCNN3: PM2, PP2

NM_002249.6(KCNN3):c.1337A>G (p.Asn446Ser)

Gene: KCNN3 (potassium calcium-activated channel subfamily N member 3; minus strand). Cytogenetic location: 1q21.3.
Variant type: single nucleotide variant.
Coding change: c.1337A>G on transcript NM_002249.6 (MANE Select); coding-DNA position 1337, A replaced by G.
Protein change: p.Asn446Ser; replaces asparagine 446 with serine.
Molecular consequence: missense variant.
Genome position (GRCh38, 1-based): chr1:154,772,086, T>C on the plus strand (A>G on the coding strand, the complement: KCNN3 is on the minus strand). VCF-style: chr1-154772086-T-C. GRCh37 (hg19) VCF-style: chr1-154744562-T-C.
Other names: c.1337A>G, p.Asn446Ser (NM_001204087.2); c.398A>G, p.Asn133Ser (NM_001365837.1, NM_001365838.1); c.422A>G, p.Asn141Ser (NM_170782.3); short protein forms N133S, N141S, N446S.
Identifiers: ClinVar variation 2582863 (VCV002582863.25), dbSNP rs2524731301, ClinGen allele CA343066619.